The following is an entry in ClinVar:

NM_001277115.2(DNAH11):c.8184A>C (p.Leu2728Phe)

Gene: DNAH11 (dynein axonemal heavy chain 11; plus strand). Cytogenetic location: 7p15.3.
Variant type: single nucleotide variant.
Coding change: c.8184A>C on transcript NM_001277115.2 (MANE Select); coding-DNA position 8184, A replaced by C.
Protein change: p.Leu2728Phe; replaces leucine 2728 with phenylalanine.
Molecular consequence: missense variant.
Genome position (GRCh38, 1-based): chr7:21,744,467, A>C. VCF-style: chr7-21744467-A-C. GRCh37 (hg19) VCF-style: chr7-21784085-A-C.
Other names: c.8184A>C (NM_001277115.1); short protein forms L2728F.
Identifiers: ClinVar variation 1481446 (VCV001481446.6), dbSNP rs374924146, ClinGen allele CA4181504.
Genomic context (GRCh38, chr7:21,744,467, plus strand): 5'-TAAAGGTATTTTCCCCATTCTTGCCTTGTAGGGGATTTTATTTGCTTCTCCTGAGTGTTT[A>C]AAAGGTCCACTTGATTTAATACATCTGTGGCTTCATGAATCTGCCCGTGTTTATGGAGAC-3'
Protein context (NP_001264044.1, residues 2718-2738): QGILFASPEC[Leu2728Phe]KGPLDLIHLW

ClinVar aggregate classification (germline): Uncertain significance. Review status: criteria provided, multiple submitters, no conflicts (2 of 4 stars). 2 submissions from 2 submitters: Uncertain significance (2). Last evaluated 2022-12-02.

Conditions:
Primary ciliary dyskinesia. Also called: Ciliary dyskinesia. Identifiers: Orphanet 244, MedGen C0008780, MONDO:0016575, HP:0012265.

gnomAD v4.1: 26 of 1,613,706 alleles (0.0016%); highest among the groups gnomAD compares: East Asian, 0.018%; no homozygotes.

Submissions (2):

Ambry Genetics
Classification: Uncertain significance for Primary ciliary dyskinesia. Last evaluated: 2022-12-02. Review status: criteria provided, single submitter. Criteria: Ambry Variant Classification Scheme 2023. Collection method: clinical testing. Allele origin: germline.

Labcorp Genetics (formerly Invitae), Labcorp
Classification: Uncertain significance for Primary ciliary dyskinesia. Last evaluated: 2021-09-24. Review status: criteria provided, single submitter. Criteria: Invitae Variant Classification Sherloc (09022015). Collection method: clinical testing. Allele origin: germline.
Comment: This sequence change replaces leucine with phenylalanine at codon 2728 of the DNAH11 protein (p.Leu2728Phe). The leucine residue is highly conserved and there is a small physicochemical difference between leucine and phenylalanine. This variant is present in population databases (rs374924146, ExAC 0.01%). This variant has not been reported in the literature in individuals affected with DNAH11-related conditions. Advanced modeling of protein sequence and biophysical properties (such as structural, functional, and spatial information, amino acid conservation, physicochemical variation, residue mobility, and thermodynamic stability) performed at Invitae indicates that this missense variant is not expected to disrupt DNAH11 protein function. In summary, the available evidence is currently insufficient to determine the role of this variant in disease. Therefore, it has been classified as a Variant of Uncertain Significance.